The following is an entry in ClinVar:

ClinVar aggregate classification (germline): Uncertain significance (1 of 4 stars; one submission).

Allele frequency attached by ClinVar (database versions not stated): gnomAD exomes below 0.00001; gnomAD 0.00001.
gnomAD v4.1: 3 of 1,593,660 alleles (0.00019%); highest among the groups gnomAD compares: Non-Finnish European, 0.00026%; no homozygotes.

Submission:

GeneDx
Classification: Uncertain significance. Last evaluated: 2022-04-29. Review status: criteria provided, single submitter. Criteria: GeneDx Variant Classification Process June 2021. Collection method: clinical testing. Allele origin: germline. Affected: yes.
Comment: Not observed at significant frequency in large population cohorts (gnomAD); In silico analysis supports that this missense variant has a deleterious effect on protein structure/function; Has not been previously published as pathogenic or benign to our knowledge

NM_197968.4(ZMYM2):c.1598T>C (p.Leu533Pro)

Gene: ZMYM2 (zinc finger MYM-type containing 2; plus strand). Cytogenetic location: 13q12.11.
Variant type: single nucleotide variant.
Coding change: c.1598T>C on transcript NM_197968.4 (MANE Select); coding-DNA position 1598, T replaced by C.
Protein change: p.Leu533Pro; replaces leucine 533 with proline.
Molecular consequence: missense variant. On other transcripts: non-coding transcript variant (1).
Genome position (GRCh38, 1-based): chr13:20,026,625, T>C. VCF-style: chr13-20026625-T-C. GRCh37 (hg19) VCF-style: chr13-20600765-T-C.
Other names: c.1598T>C, p.Leu533Pro (NM_001190964.4, NM_001190965.4, NM_001353157.2 and 5 more transcripts); c.1403T>C, p.Leu468Pro (NM_001353161.3); c.1337T>C, p.Leu446Pro (NM_001353163.2); short protein forms L446P, L468P, L533P.
Identifiers: ClinVar variation 1712900 (VCV001712900.2), dbSNP rs1952605065, ClinGen allele CA387672218.